The following is an entry in ClinVar:

ClinVar aggregate classification (germline): Uncertain significance. Review status: criteria provided, multiple submitters, no conflicts (2 of 4 stars). 2 submissions from 2 submitters: Uncertain significance (2). Last evaluated 2024-07-17.

Conditions:
Autosomal recessive limb-girdle muscular dystrophy type R18 (LGMDR18). Also called: Limb-girdle muscular dystrophy, type 2S; Autosomal recessive limb-girdle muscular dystrophy type 2S; MUSCULAR DYSTROPHY, LIMB-GIRDLE, AUTOSOMAL RECESSIVE 18. Identifiers: Orphanet 369840, MedGen C4517996, MONDO:0014144, OMIM 615356.

Allele frequency attached by ClinVar (database versions not stated): gnomAD exomes below 0.00001 and 0.00001; ExAC 0.00001; gnomAD 0.00001; ESP Exome Variant Server 0.00008.
gnomAD v4.1: 16 of 1,613,852 alleles (0.00099%); highest among the groups gnomAD compares: Admixed American, 0.0017%; no homozygotes.

Submissions (2):

Labcorp Genetics (formerly Invitae), Labcorp
Classification: Uncertain significance for Autosomal recessive limb-girdle muscular dystrophy type R18. Last evaluated: 2024-07-17. Review status: criteria provided, single submitter. Criteria: Invitae Variant Classification Sherloc (09022015). Collection method: clinical testing. Allele origin: germline.
Comment: This sequence change replaces arginine, which is basic and polar, with glutamine, which is neutral and polar, at codon 450 of the TRAPPC11 protein (p.Arg450Gln). This variant is present in population databases (rs201387237, gnomAD 0.006%). This variant has not been reported in the literature in individuals affected with TRAPPC11-related conditions. ClinVar contains an entry for this variant (Variation ID: 586837). Advanced modeling of protein sequence and biophysical properties (such as structural, functional, and spatial information, amino acid conservation, physicochemical variation, residue mobility, and thermodynamic stability) performed at Invitae indicates that this missense variant is expected to disrupt TRAPPC11 protein function with a positive predictive value of 80%. In summary, the available evidence is currently insufficient to determine the role of this variant in disease. Therefore, it has been classified as a Variant of Uncertain Significance.

Athena Diagnostics
Classification: Uncertain significance. Last evaluated: 2018-05-16. Review status: criteria provided, single submitter. Criteria: Athena Diagnostics Criteria. Collection method: clinical testing. Allele origin: germline.

NM_021942.6(TRAPPC11):c.1349G>A (p.Arg450Gln)

Gene: TRAPPC11 (trafficking protein particle complex subunit 11; plus strand). Cytogenetic location: 4q35.1.
Variant type: single nucleotide variant.
Coding change: c.1349G>A on transcript NM_021942.6 (MANE Select); coding-DNA position 1349, G replaced by A.
Protein change: p.Arg450Gln; replaces arginine 450 with glutamine.
Molecular consequence: missense variant.
Genome position (GRCh38, 1-based): chr4:183,684,206, G>A. VCF-style: chr4-183684206-G-A. GRCh37 (hg19) VCF-style: chr4-184605359-G-A.
Other names: c.1349G>A, p.Arg450Gln (NM_199053.3); short protein forms R450Q.
Identifiers: ClinVar variation 586837 (VCV000586837.7), dbSNP rs201387237, ClinGen allele CA3151888.